The following is an entry in ClinVar:

NM_000532.5(PCCB):c.562G>A (p.Gly188Arg)

Gene: PCCB (propionyl-CoA carboxylase subunit beta; plus strand). Cytogenetic location: 3q22.3.
Variant type: single nucleotide variant.
Coding change: c.562G>A on transcript NM_000532.5 (MANE Select); coding-DNA position 562, G replaced by A.
Protein change: p.Gly188Arg; replaces glycine 188 with arginine.
Molecular consequence: missense variant.
Genome position (GRCh38, 1-based): chr3:136,283,855, G>A. VCF-style: chr3-136283855-G-A. GRCh37 (hg19) VCF-style: chr3-136002697-G-A.
Other names: c.622G>A, p.Gly208Arg (NM_001178014.2); short protein forms G188R, G208R.
Identifiers: ClinVar variation 558327 (VCV000558327.13), dbSNP rs746102997, ClinGen allele CA2631784.

ClinVar aggregate classification (germline): Pathogenic/Likely pathogenic. Review status: criteria provided, multiple submitters, no conflicts (2 of 4 stars). 6 submissions from 6 submitters: Pathogenic (4); Likely pathogenic (1). 1 of the submissions does not count toward it. Last evaluated 2025-10-07.

Conditions:
Propionic acidemia (PROP). Also called: GLYCINEMIA, KETOTIC; HYPERGLYCINEMIA WITH KETOACIDOSIS AND LEUKOPENIA; KETOTIC HYPERGLYCINEMIA. Identifiers: Orphanet 35, MedGen C0268579, MONDO:0011628, OMIM 606054, HP:0003571.

Allele frequency attached by ClinVar (database versions not stated): gnomAD exomes below 0.00001; ExAC 0.00001; TOPMed 0.00002; gnomAD 0.00003.
gnomAD v4.1: 12 of 1,612,796 alleles (0.00074%); highest among the groups gnomAD compares: African/African-American, 0.0053%; no homozygotes.

Submissions (6):

Natera, Inc.
Classification: Pathogenic for Propionic acidemia. Last evaluated: 2025-10-07. Review status: criteria provided, single submitter. Criteria: Natera Variant Classification Schema (03/2026). Collection method: clinical testing. Allele origin: germline.
Comment: The c.562G>A variant in PCCB is a missense variant predicted to cause substitution of glycine to arginine at amino acid 188. This variant is rare in the general population with a frequency below the threshold expected for the associated phenotype(s). This variant has been observed in one or more individuals affected with the associated recessive disease, as either homozygous or compound heterozygous with a second variant (PMID: 23053474, 22033733, 27825584, 12559849). Functional studies show that this variant may disrupt protein function (PMID: 23053474). Computational prediction algorithms indicate this variant is likely to affect gene or protein function. Given the available evidence, this variant is classified as Pathogenic.

Labcorp Genetics (formerly Invitae), Labcorp
Classification: Pathogenic for Propionic acidemia. Last evaluated: 2024-01-18. Review status: criteria provided, single submitter. Criteria: Invitae Variant Classification Sherloc (09022015). Collection method: clinical testing. Allele origin: germline.
Comment: This sequence change replaces glycine, which is neutral and non-polar, with arginine, which is basic and polar, at codon 188 of the PCCB protein (p.Gly188Arg). This variant is present in population databases (rs746102997, gnomAD 0.007%). This missense change has been observed in individuals with propionic acidemia (PMID: 12559849, 22033733, 23053474, 27900673). ClinVar contains an entry for this variant (Variation ID: 558327). Advanced modeling of protein sequence and biophysical properties (such as structural, functional, and spatial information, amino acid conservation, physicochemical variation, residue mobility, and thermodynamic stability) performed at Invitae indicates that this missense variant is expected to disrupt PCCB protein function with a positive predictive value of 95%. Experimental studies have shown that this missense change affects PCCB function (PMID: 23053474). For these reasons, this variant has been classified as Pathogenic.

Baylor Genetics
Classification: Pathogenic for Propionic acidemia. Last evaluated: 2023-10-16. Review status: criteria provided, single submitter. Criteria: ACMG Guidelines, 2015. Collection method: clinical testing. Allele origin: unknown.

Institute of Medical Genetics and Applied Genomics, University Hospital Tübingen
Classification: Likely pathogenic. Last evaluated: 2020-10-23. Review status: criteria provided, single submitter. Criteria: ACMG Guidelines, 2015. Collection method: clinical testing. Allele origin: germline. Inheritance: Unknown mechanism. Affected: yes.

Women's Health and Genetics/Laboratory Corporation of America, LabCorp
Classification: Pathogenic for Propionic acidemia. Last evaluated: 2019-10-04. Review status: criteria provided, single submitter. Criteria: LabCorp Variant Classification Summary - May 2015. Collection method: clinical testing. Allele origin: germline.
Comment: Variant summary: PCCB c.562G>A (p.Gly188Arg) results in a non-conservative amino acid change located in the Acetyl-coenzyme A carboxyltransferase, N-terminal domain (IPR011762) of the encoded protein sequence. Five of five in-silico tools predict a damaging effect of the variant on protein function. The variant allele was found at a frequency of 4e-06 in 251438 control chromosomes (gnomAD). c.562G>A has been reported in the literature in multiple individuals (compound heterozygotes or homozygotes) affected with Propionic Acidemia (Perez_2003, Desviat_2006, Kraus_2012, Gallego-Villar_2012, Cappuccio_2016, Tummolo_2018). These data indicate that the variant is very likely to be associated with disease. In vitro study showed that this variant had residual activity at 13% of WT levels (Gallego-Villar_2012). Two ClinVar submissions from other clinical diagnostic laboratories (evaluation after 2014) cite the variant as likely pathogenic. Based on the evidence outlined above, the variant was classified as pathogenic.

Counsyl
Classification: Likely pathogenic for Propionic acidemia. Last evaluated: 2018-05-14. Review status: no assertion criteria provided. Collection method: clinical testing. Allele origin: unknown. Not counted in ClinVar's aggregate classification.

Literature cited by the submitters: PubMed 23053474 (cited by 4 submitters); PubMed 22033733 (cited by 4 submitters); PubMed 27825584 (cited by Natera, Inc.); PubMed 12559849 (cited by 4 submitters); PubMed 27900673 (cited by Labcorp Genetics (formerly Invitae), Labcorp and Women's Health and Genetics/Laboratory Corporation of America, LabCorp); PubMed 15464417 (cited by Women's Health and Genetics/Laboratory Corporation of America, LabCorp); PubMed 20725044 (cited by Women's Health and Genetics/Laboratory Corporation of America, LabCorp and Counsyl); PubMed 17051315 (cited by Women's Health and Genetics/Laboratory Corporation of America, LabCorp); PubMed 29033250 (cited by Women's Health and Genetics/Laboratory Corporation of America, LabCorp); PubMed 29679984 (cited by Women's Health and Genetics/Laboratory Corporation of America, LabCorp).